The following is an entry in ClinVar:

NM_020693.4(DSCAML1):c.3221C>T (p.Thr1074Met)

Gene: DSCAML1 (DS cell adhesion molecule like 1; minus strand). Cytogenetic location: 11q23.3.
Variant type: single nucleotide variant.
Coding change: c.3221C>T on transcript NM_020693.4 (MANE Select); coding-DNA position 3221, C replaced by T.
Protein change: p.Thr1074Met; replaces threonine 1074 with methionine.
Molecular consequence: missense variant.
Genome position (GRCh38, 1-based): chr11:117,464,986, G>A on the plus strand (C>T on the coding strand, the complement: DSCAML1 is on the minus strand). VCF-style: chr11-117464986-G-A. GRCh37 (hg19) VCF-style: chr11-117335702-G-A.
Other names: short protein forms T1074M.
Identifiers: ClinVar variation 1346408 (VCV001346408.6), dbSNP rs746275716, ClinGen allele CA6296771.

ClinVar aggregate classification (germline): Uncertain significance (1 of 4 stars; one submission).

Allele frequency attached by ClinVar (database versions not stated): gnomAD exomes 0.00001; TOPMed 0.00001; ExAC 0.00002.
gnomAD v4.1: 6 of 1,614,054 alleles (0.00037%); highest among the groups gnomAD compares: South Asian, 0.0033%; no homozygotes.

Submission:

Labcorp Genetics (formerly Invitae), Labcorp
Classification: Uncertain significance. Last evaluated: 2024-08-14. Review status: criteria provided, single submitter. Criteria: Invitae Variant Classification Sherloc (09022015). Collection method: clinical testing. Allele origin: germline.
Comment: This sequence change replaces threonine, which is neutral and polar, with methionine, which is neutral and non-polar, at codon 1134 of the DSCAML1 protein (p.Thr1134Met). This variant is present in population databases (rs746275716, gnomAD 0.01%). This variant has not been reported in the literature in individuals affected with DSCAML1-related conditions. ClinVar contains an entry for this variant (Variation ID: 1346408). An algorithm developed to predict the effect of missense changes on protein structure and function (PolyPhen-2) suggests that this variant is likely to be tolerated. In summary, the available evidence is currently insufficient to determine the role of this variant in disease. Therefore, it has been classified as a Variant of Uncertain Significance.